The following is an entry in ClinVar:

NM_004369.4(COL6A3):c.3186G>C (p.Gln1062His)

Gene: COL6A3 (collagen type VI alpha 3 chain; minus strand). Cytogenetic location: 2q37.3.
Variant type: single nucleotide variant.
Coding change: c.3186G>C on transcript NM_004369.4 (MANE Select); coding-DNA position 3186, G replaced by C.
Protein change: p.Gln1062His; replaces glutamine 1062 with histidine.
Molecular consequence: missense variant.
Genome position (GRCh38, 1-based): chr2:237,374,905, C>G on the plus strand (G>C on the coding strand, the complement: COL6A3 is on the minus strand). VCF-style: chr2-237374905-C-G. GRCh37 (hg19) VCF-style: chr2-238283548-C-G.
Other names: c.1965G>C, p.Gln655His (NM_057164.5); c.2568G>C, p.Gln856His (NM_057165.5, NM_057167.4); c.1365G>C, p.Gln455His (NM_057166.5); short protein forms Q1062H, Q455H, Q655H, Q856H.
Identifiers: ClinVar variation 1690611 (VCV001690611.2), dbSNP rs2077794944, ClinGen allele CA351205255.

ClinVar aggregate classification (germline): Uncertain significance (1 of 4 stars; one submission).

Submission:

Laboratorio de Genetica e Diagnostico Molecular, Hospital Israelita Albert Einstein
Classification: Uncertain significance. Last evaluated: 2022-04-04. Review status: criteria provided, single submitter. Criteria: ACMG Guidelines, 2015. Collection method: clinical testing. Allele origin: germline. Affected: yes.
Comment: ACMG classification criteria: PM2